The following is an entry in ClinVar:

ClinVar aggregate classification (germline): Pathogenic (1 of 4 stars; one submission).

Conditions:
6-Pyruvoyl-tetrahydrobiopterin synthase deficiency. Also called: PTS-Related Tetrahydrobiopterin Deficiency; PTS DEFICIENCY; 6-Pyruvoyltetrahydropterin Synthase Deficiency; HYPERPHENYLALANINEMIA, TETRAHYDROBIOPTERIN-DEFICIENT, DUE TO PTS DEFICIENCY; BH4-deficient hyperphenylalaninemia A; Hyperphenylalanemia, BH4-deficient, A. Identifiers: Orphanet 13, Orphanet 238583, MedGen C0878676, MONDO:0009863, OMIM 261640.

Submission:

Labcorp Genetics (formerly Invitae), Labcorp
Classification: Pathogenic for 6-Pyruvoyl-tetrahydrobiopterin synthase deficiency. Last evaluated: 2023-10-08. Review status: criteria provided, single submitter. Criteria: Invitae Variant Classification Sherloc (09022015). Collection method: clinical testing. Allele origin: germline.
Comment: This sequence change replaces valine, which is neutral and non-polar, with leucine, which is neutral and non-polar, at codon 124 of the PTS protein (p.Val124Leu). This variant is not present in population databases (gnomAD no frequency). This missense change has been observed in individual(s) with clinical features of 6-pyruvoyl-tetrahydropterin synthase (PTPS) deficiency (PMID: 11388593, 27243974). In at least one individual the data is consistent with being in trans (on the opposite chromosome) from a pathogenic variant. Algorithms developed to predict the effect of missense changes on protein structure and function output the following: SIFT: "Not Available"; PolyPhen-2: "Benign"; Align-GVGD: "Not Available". The leucine amino acid residue is found in multiple mammalian species, which suggests that this missense change does not adversely affect protein function. Experimental studies have shown that this missense change affects PTS function (PMID: 11388593). For these reasons, this variant has been classified as Pathogenic.

Literature cited by the submitters: PubMed 11388593; PubMed 27243974.

NM_000317.3(PTS):c.370G>C (p.Val124Leu)

Gene: PTS (6-pyruvoyltetrahydropterin synthase; plus strand). Cytogenetic location: 11q23.1.
Variant type: single nucleotide variant.
Coding change: c.370G>C on transcript NM_000317.3 (MANE Select); coding-DNA position 370, G replaced by C.
Protein change: p.Val124Leu; replaces valine 124 with leucine.
Molecular consequence: missense variant.
Genome position (GRCh38, 1-based): chr11:112,233,487, G>C. VCF-style: chr11-112233487-G-C. GRCh37 (hg19) VCF-style: chr11-112104210-G-C.
Other names: short protein forms V124L.
Identifiers: ClinVar variation 2766927 (VCV002766927.3), dbSNP rs150726932, ClinGen allele CA382628059.